The following is an entry in ClinVar:

ClinVar aggregate classification (germline): Uncertain significance (1 of 4 stars; one submission).

Submission:

Labcorp Genetics (formerly Invitae), Labcorp
Classification: Uncertain significance. Last evaluated: 2024-12-28. Review status: criteria provided, single submitter. Criteria: Invitae Variant Classification Sherloc (09022015). Collection method: clinical testing. Allele origin: germline.
Comment: This sequence change replaces glycine, which is neutral and non-polar, with alanine, which is neutral and non-polar, at codon 1012 of the ARID1B protein (p.Gly1012Ala). This variant is not present in population databases (gnomAD no frequency). This variant has not been reported in the literature in individuals affected with ARID1B-related conditions. Invitae Evidence Modeling of protein sequence and biophysical properties (such as structural, functional, and spatial information, amino acid conservation, physicochemical variation, residue mobility, and thermodynamic stability) indicates that this missense variant is not expected to disrupt ARID1B protein function with a negative predictive value of 95%. In summary, the available evidence is currently insufficient to determine the role of this variant in disease. Therefore, it has been classified as a Variant of Uncertain Significance.

NM_001374828.1(ARID1B):c.3245G>C (p.Gly1082Ala)

Gene: ARID1B (AT-rich interaction domain 1B; plus strand). Cytogenetic location: 6q25.3.
Variant type: single nucleotide variant.
Coding change: c.3245G>C on transcript NM_001374828.1 (MANE Select); coding-DNA position 3245, G replaced by C.
Protein change: p.Gly1082Ala; replaces glycine 1082 with alanine.
Molecular consequence: missense variant.
Genome position (GRCh38, 1-based): chr6:157,174,017, G>C. VCF-style: chr6-157174017-G-C. GRCh37 (hg19) VCF-style: chr6-157495151-G-C.
Other names: c.746G>C, p.Gly249Ala (NM_001363725.2); c.3284G>C, p.Gly1095Ala (NM_001371656.1, NM_001374820.1); c.3245G>C, p.Gly1082Ala (NM_017519.3); short protein forms G1082A, G249A, G1095A.
Identifiers: ClinVar variation 3635337 (VCV003635337.2).